The following is an entry in ClinVar:

NM_004333.6(BRAF):c.1432+8T>A

Gene: BRAF (B-Raf proto-oncogene, serine/threonine kinase; minus strand). Cytogenetic location: 7q34.
Variant type: single nucleotide variant.
Coding change: c.1432+8T>A on transcript NM_004333.6 (MANE Select); 8 bases into the intron after coding-DNA position 1432, T replaced by A.
Molecular consequence: intron variant.
Genome position (GRCh38, 1-based): chr7:140,781,568, A>T on the plus strand (T>A on the coding strand, the complement: BRAF is on the minus strand). VCF-style: chr7-140781568-A-T. GRCh37 (hg19) VCF-style: chr7-140481368-A-T.
Other names: c.1432+8T>A (NM_001378474.1, NM_001378468.1, NM_001354609.2); c.1330+8T>A (NM_001378470.1); c.1168+8T>A (NM_001378475.1); c.1321+8T>A (NM_001378471.1); c.1552+8T>A (NM_001374258.1, NM_001374244.1); c.1441+8T>A (NM_001378467.1); c.1276+8T>A (NM_001378472.1, NM_001378473.1); c.1366+8T>A (NM_001378469.1).
Identifiers: ClinVar variation 1996163 (VCV001996163.4), dbSNP rs1403318642, ClinGen allele CA2580077569.

ClinVar aggregate classification (germline): Uncertain significance (1 of 4 stars; one submission).

Conditions:
RASopathy. Also called: Noonan spectrum disorder; rasopathies. Identifiers: Orphanet 536391, MedGen C5555857, MONDO:0021060.

Submission:

Labcorp Genetics (formerly Invitae), Labcorp
Classification: Uncertain significance for RASopathy. Last evaluated: 2022-05-18. Review status: criteria provided, single submitter. Criteria: Invitae Variant Classification Sherloc (09022015). Collection method: clinical testing. Allele origin: germline.
Comment: This variant has not been reported in the literature in individuals affected with BRAF-related conditions. This variant is not present in population databases (gnomAD no frequency). Algorithms developed to predict the effect of sequence changes on RNA splicing suggest that this variant may create or strengthen a splice site. In summary, the available evidence is currently insufficient to determine the role of this variant in disease. Therefore, it has been classified as a Variant of Uncertain Significance. This sequence change falls in intron 11 of the BRAF gene. It does not directly change the encoded amino acid sequence of the BRAF protein.